The following is an entry in ClinVar:

NM_000194.3(HPRT1):c.432G>A (p.Gln144=)

Gene: HPRT1 (hypoxanthine phosphoribosyltransferase 1; plus strand). Cytogenetic location: Xq26.2.
Variant type: single nucleotide variant.
Coding change: c.432G>A on transcript NM_000194.3 (MANE Select); coding-DNA position 432, G replaced by A.
Protein change: p.Gln144=; no amino-acid change (glutamine 144 retained).
Molecular consequence: synonymous variant.
Genome position (GRCh38, 1-based): chrX:134,493,537, G>A. VCF-style: chrX-134493537-G-A. GRCh37 (hg19) VCF-style: chrX-133627567-G-A.
Identifiers: ClinVar variation 4685289 (VCV004685289.1).
Genomic context (GRCh38, chrX:134,493,537, plus strand): 5'-TAAAGCTATGCAATGTCTTCTTTTTTGAAAGGATATAATTGACACTGGCAAAACAATGCA[G>A]ACTTTGCTTTCCTTGGTCAGGCAGTATAATCCAAAGATGGTCAAGGTCGCAAGGTATGTA-3'
Protein context (NP_000185.1, residues 134-154): EDIIDTGKTM[Gln144=]TLLSLVRQYN

ClinVar aggregate classification (germline): Uncertain significance (1 of 4 stars; one submission).

gnomAD v4.1: 18 of 1,207,747 alleles (0.0015%); highest among the groups gnomAD compares: Non-Finnish European, 0.0018%; 1 homozygote.

Submission:

GeneDx
Classification: Uncertain significance. Last evaluated: 2025-07-11. Review status: criteria provided, single submitter. Criteria: GeneDx Variant Classification Process June 2021. Collection method: clinical testing. Allele origin: germline. Affected: yes.
Comment: Reported previously in a patient with hyperuricemia, neurological dysfunction, and self-injurious behavior; however, the patient harbored several other HPRT1 variants with another variant thought to be the cause for the symptoms (PMID: 25965333); In silico analysis is inconclusive as to whether the variant alters gene splicing. In the absence of RNA/functional studies, the actual effect of this sequence change is unknown.; This variant is associated with the following publications: (PMID: 25965333)